The following is an entry in ClinVar:

ClinVar aggregate classification (germline): Uncertain significance (1 of 4 stars; one submission).

Conditions:
Inborn genetic diseases. Identifiers: MedGen C0950123, MeSH D030342.

Allele frequency attached by ClinVar (database versions not stated): gnomAD 0.00003; TOPMed 0.00005; ESP Exome Variant Server 0.00008; ExAC 0.00003.

Submission:

Ambry Genetics
Classification: Uncertain significance for Inborn genetic diseases. Last evaluated: 2026-02-04. Review status: criteria provided, single submitter. Criteria: Ambry Variant Classification Scheme 2023. Collection method: clinical testing. Allele origin: germline.
Comment: The c.818G>A (p.R273Q) alteration is located in exon 7 (coding exon 7) of the DNAJC6 gene. This alteration results from a G to A substitution at nucleotide position 818, causing the arginine (R) at amino acid position 273 to be replaced by a glutamine (Q). Based on data from gnomAD, the A allele has an overall frequency of 0.003% (8/280176) total alleles studied. Based on insufficient or conflicting evidence, the clinical significance of this alteration remains unclear.

NM_001256864.2(DNAJC6):c.989G>A (p.Arg330Gln)

Gene: DNAJC6 (DnaJ heat shock protein family (Hsp40) member C6; plus strand). Cytogenetic location: 1p31.3.
Variant type: single nucleotide variant.
Coding change: c.989G>A on transcript NM_001256864.2 (MANE Select); coding-DNA position 989, G replaced by A.
Protein change: p.Arg330Gln; replaces arginine 330 with glutamine.
Molecular consequence: missense variant.
Genome position (GRCh38, 1-based): chr1:65,385,900, G>A. VCF-style: chr1-65385900-G-A. GRCh37 (hg19) VCF-style: chr1-65851583-G-A.
Other names: c.779G>A, p.Arg260Gln (NM_001256865.2); c.818G>A, p.Arg273Gln (NM_014787.4); short protein forms R260Q, R273Q, R330Q.
Identifiers: ClinVar variation 2229725 (VCV002229725.3), dbSNP rs375848137, ClinGen allele CA893794.